The following is an entry in ClinVar:

NM_024408.4(NOTCH2):c.5425C>G (p.Pro1809Ala)

Gene: NOTCH2 (notch receptor 2; minus strand). Cytogenetic location: 1p12.
Variant type: single nucleotide variant.
Coding change: c.5425C>G on transcript NM_024408.4 (MANE Select); coding-DNA position 5425, C replaced by G.
Protein change: p.Pro1809Ala; replaces proline 1809 with alanine.
Molecular consequence: missense variant.
Genome position (GRCh38, 1-based): chr1:119,920,283, G>C on the plus strand (C>G on the coding strand, the complement: NOTCH2 is on the minus strand). VCF-style: chr1-119920283-G-C. GRCh37 (hg19) VCF-style: chr1-120462906-G-C.
Other names: short protein forms P1809A.
Identifiers: ClinVar variation 2744626 (VCV002744626.3), dbSNP rs2101151399, ClinGen allele CA341885469.

ClinVar aggregate classification (germline): Uncertain significance (1 of 4 stars; one submission).

Conditions:
Hajdu-Cheney syndrome (HJCYS). Also called: SERPENTINE FIBULA-POLYCYSTIC KIDNEY SYNDROME; ACROOSTEOLYSIS WITH OSTEOPOROSIS AND CHANGES IN SKULL AND MANDIBLE; Acroosteolysis dominant type. Identifiers: Orphanet 955, MedGen C0917715, MONDO:0007057, OMIM 102500.

gnomAD v4.1: 1 of 1,614,190 alleles (0.000062%); no homozygotes.

Submission:

Labcorp Genetics (formerly Invitae), Labcorp
Classification: Uncertain significance for Hajdu-Cheney syndrome. Last evaluated: 2023-07-18. Review status: criteria provided, single submitter. Criteria: Invitae Variant Classification Sherloc (09022015). Collection method: clinical testing. Allele origin: germline.
Comment: In summary, the available evidence is currently insufficient to determine the role of this variant in disease. Therefore, it has been classified as a Variant of Uncertain Significance. Advanced modeling of protein sequence and biophysical properties (such as structural, functional, and spatial information, amino acid conservation, physicochemical variation, residue mobility, and thermodynamic stability) performed at Invitae indicates that this missense variant is expected to disrupt NOTCH2 protein function. This variant has not been reported in the literature in individuals affected with NOTCH2-related conditions. This variant is not present in population databases (gnomAD no frequency). This sequence change replaces proline, which is neutral and non-polar, with alanine, which is neutral and non-polar, at codon 1809 of the NOTCH2 protein (p.Pro1809Ala).